The following is an entry in ClinVar:

NM_000046.5(ARSB):c.160G>A (p.Asp54Asn)

Genes: ARSB (arylsulfatase B; minus strand), LOC129994126 (ATAC-STARR-seq lymphoblastoid silent region 16127; plus strand). Cytogenetic location: 5q14.1.
Variant type: single nucleotide variant.
Coding change: c.160G>A on transcript NM_000046.5 (MANE Select); coding-DNA position 160, G replaced by A.
Protein change: p.Asp54Asn; replaces aspartic acid 54 with asparagine.
Molecular consequence: missense variant.
Genome position (GRCh38, 1-based): chr5:78,985,089, C>T on the plus strand (G>A on the coding strand, the complement: ARSB is on the minus strand). VCF-style: chr5-78985089-C-T. GRCh37 (hg19) VCF-style: chr5-78280912-C-T.
Other names: p.Asp54Asn; c.160G>A, p.Asp54Asn (NM_198709.3); c.160G>A (NM_000046.3); short protein forms D54N.
Identifiers: ClinVar variation 559730 (VCV000559730.11), dbSNP rs1554032216, ClinGen allele CA360196922.

ClinVar aggregate classification (germline): Pathogenic/Likely pathogenic. Review status: criteria provided, multiple submitters, no conflicts (2 of 4 stars). 5 submissions from 5 submitters: Pathogenic (3); Likely pathogenic (2). Last evaluated 2025-05-05.

Conditions:
Mucopolysaccharidosis type 6 (MPS6). Also called: N-ACETYLGALACTOSAMINE-4-SULFATASE DEFICIENCY; MPS VI; MPS 6; Maroteaux Lamy syndrome; ARSB DEFICIENCY; ARYLSULFATASE B DEFICIENCY. Identifiers: Orphanet 583, MedGen C0026709, MONDO:0009661, OMIM 253200.

gnomAD v4.1: 1 of 1,529,562 alleles (0.000065%); highest among the groups gnomAD compares: South Asian, 0.0012%; no homozygotes.

Submissions (5):

Women's Health and Genetics/Laboratory Corporation of America, LabCorp
Classification: Likely pathogenic for Mucopolysaccharidosis type 6. Last evaluated: 2025-05-05. Review status: criteria provided, single submitter. Criteria: LabCorp Variant Classification Summary - May 2015. Collection method: clinical testing. Allele origin: germline.
Comment: Variant summary: ARSB c.160G>A (p.Asp54Asn) results in a conservative amino acid change in the encoded protein sequence. Algorithms developed to predict the effect of missense changes on protein structure and function are either unavailable or do not agree on the potential impact of this missense change. The variant was absent in 175716 control chromosomes. c.160G>A has been observed in individual(s) affected with Mucopolysaccharidosis Type VI (Maroteaux-Lamy Syndrome) (Karageorgos_2007, Uttarilli_2015, Zanetti_2014). These data indicate that the variant is likely to be associated with disease. At least one publication reports experimental evidence evaluating an impact on protein function. The most pronounced variant effect results in about 10% of normal activity in Cos-7 cells(Uttarilli_2017). The following publications have been ascertained in the context of this evaluation (PMID: 17458871, 27826022, 36873088, 24243352). ClinVar contains an entry for this variant (Variation ID: 559730). Based on the evidence outlined above, the variant was classified as likely pathogenic.

Foundation for Research in Genetics and Endocrinology, FRIGE's Institute of Human Genetics
Classification: Pathogenic for Mucopolysaccharidosis type 6. Last evaluated: 2025-01-16. Review status: criteria provided, single submitter. Criteria: ACMG Guidelines, 2015. Collection method: clinical testing. Allele origin: germline. Inheritance: Autosomal recessive inheritance. Affected: yes. Observed: 1 compound heterozygote.
Comment: A heterozygous missense variant in exon 1 of the ARSB gene that results in the amino acid substitution of Asparagine for Aspartic acid at codon 54 was detected. The observed variant c.160G>A (p.Asp54Asn) has not been reported in the 1000 genomes and gnomAD databases. The in-silico prediction of the variant is damaging by DANN and MutationTaster2. This variant has previously been reported in patients with MPS VI. In summary, the variant meets our criteria to be classified as pathogenic.

Labcorp Genetics (formerly Invitae), Labcorp
Classification: Pathogenic for Mucopolysaccharidosis type 6. Last evaluated: 2023-11-09. Review status: criteria provided, single submitter. Criteria: Invitae Variant Classification Sherloc (09022015). Collection method: clinical testing. Allele origin: germline.
Comment: This sequence change replaces aspartic acid, which is acidic and polar, with asparagine, which is neutral and polar, at codon 54 of the ARSB protein (p.Asp54Asn). This variant is not present in population databases (gnomAD no frequency). This missense change has been observed in individual(s) with mucopolysaccharidosis type VI (PMID: 17458871, 24243352, 26609033). ClinVar contains an entry for this variant (Variation ID: 559730). Advanced modeling of protein sequence and biophysical properties (such as structural, functional, and spatial information, amino acid conservation, physicochemical variation, residue mobility, and thermodynamic stability) performed at Invitae indicates that this missense variant is expected to disrupt ARSB protein function with a positive predictive value of 95%. Experimental studies have shown that this missense change affects ARSB function (PMID: 27826022). For these reasons, this variant has been classified as Pathogenic.

GeneDx
Classification: Pathogenic. Last evaluated: 2023-09-08. Review status: criteria provided, single submitter. Criteria: GeneDx Variant Classification Process June 2021. Collection method: clinical testing. Allele origin: germline. Affected: yes.
Comment: Expression studies found D54N is associated with a decrease in enzyme activity similar to that caused by loss of function variants in this gene (Uttarilli et al., 2017); Not observed at significant frequency in large population cohorts (gnomAD); In silico analysis supports that this missense variant has a deleterious effect on protein structure/function; This variant is associated with the following publications: (PMID: 17458871, 27826022, 26609033)

Laboratory of Diagnosis and Therapy of Lysosomal Disorders, University of Padova
Classification: Likely pathogenic for Mucopolysaccharidosis type 6. Last evaluated: 2018-01-01. Review status: criteria provided, single submitter. Criteria: ACMG Guidelines, 2015. Collection method: curation. Allele origin: germline. Affected: yes.
Comment: In vitro functional studies supportive of a damaging effect on the gene product (low to no ARSB activity in homozygotes; PS3); Located in a well-established functional domain (PM1); Absent from GnomAD (PM2); Multiple lines of computational evidence support a deleterious effect on the gene product (PP3)

Literature cited by the submitters: PubMed 24243352 (cited by 3 submitters); PubMed 17458871 (cited by 3 submitters); PubMed 27826022 (cited by Women's Health and Genetics/Laboratory Corporation of America, LabCorp and Labcorp Genetics (formerly Invitae), Labcorp); PubMed 36873088 (cited by Women's Health and Genetics/Laboratory Corporation of America, LabCorp); PubMed 26609033 (cited by Labcorp Genetics (formerly Invitae), Labcorp and Laboratory of Diagnosis and Therapy of Lysosomal Disorders, University of Padova); PubMed 30118150 (cited by Laboratory of Diagnosis and Therapy of Lysosomal Disorders, University of Padova).